The following is an entry in ClinVar:

NM_000191.3(HMGCL):c.349-183G>A

Gene: HMGCL (3-hydroxy-3-methylglutaryl-CoA lyase; minus strand). Cytogenetic location: 1p36.11.
Variant type: single nucleotide variant.
Coding change: c.349-183G>A on transcript NM_000191.3 (MANE Select); 183 bases into the intron before coding-DNA position 349, G replaced by A.
Molecular consequence: intron variant.
Genome position (GRCh38, 1-based): chr1:23,814,521, C>T on the plus strand (G>A on the coding strand, the complement: HMGCL is on the minus strand). VCF-style: chr1-23814521-C-T. GRCh37 (hg19) VCF-style: chr1-24141011-C-T.
Other names: c.348+2154G>A (NM_001166059.2).
Identifiers: ClinVar variation 673763 (VCV000673763.1), dbSNP rs11591205, ClinGen allele CA10719318.

ClinVar aggregate classification (germline): Benign (1 of 4 stars; one submission).

Allele frequency attached by ClinVar (database versions not stated): 1000 Genomes Project 30x 0.20378; 1000 Genomes Project 0.20567; TOPMed 0.25011; gnomAD 0.26410 and 0.26779.
gnomAD v4.1: 40,333 of 152,012 alleles (27%); highest among the groups gnomAD compares: Non-Finnish European, 34%; 5,983 homozygotes.

Submission:

GeneDx
Classification: Benign. Last evaluated: 2018-06-14. Review status: criteria provided, single submitter. Criteria: GeneDx Variant Classification (06012015). Collection method: clinical testing. Allele origin: germline. Affected: yes.
Comment: This variant is considered likely benign or benign based on one or more of the following criteria: it is a conservative change, it occurs at a poorly conserved position in the protein, it is predicted to be benign by multiple in silico algorithms, and/or has population frequency not consistent with disease.